The following is an entry in ClinVar:

NM_000044.6(AR):c.2674T>G (p.Phe892Val)

Gene: AR (androgen receptor; plus strand). Cytogenetic location: Xq12.
Variant type: single nucleotide variant.
Coding change: c.2674T>G on transcript NM_000044.6 (MANE Select); coding-DNA position 2674, T replaced by G.
Protein change: p.Phe892Val; replaces phenylalanine 892 with valine.
Molecular consequence: missense variant.
Genome position (GRCh38, 1-based): chrX:67,723,752, T>G. VCF-style: chrX-67723752-T-G. GRCh37 (hg19) VCF-style: chrX-66943594-T-G.
Other names: c.1078T>G, p.Phe360Val (NM_001011645.3); short protein forms F360V, F892V.
Identifiers: ClinVar variation 4855029 (VCV004855029.1).
Genomic context (GRCh38, chrX:67,723,752, plus strand): 5'-AGAGAGCTGCATCAGTTCACTTTTGACCTGCTAATCAAGTCACACATGGTGAGCGTGGAC[T>G]TTCCGGAAATGATGGCAGAGATCATCTCTGTGCAAGTGCCCAAGATCCTTTCTGGGAAAG-3'
Protein context (NP_000035.2, residues 882-902): LIKSHMVSVD[Phe892Val]PEMMAEIISV

ClinVar aggregate classification (germline): Uncertain significance (1 of 4 stars; one submission).

Conditions:
Androgen resistance syndrome (AIS). Also called: Androgen insensitivity, complete; ANDROGEN RECEPTOR DEFICIENCY; DIHYDROTESTOSTERONE RECEPTOR DEFICIENCY; TESTICULAR FEMINIZATION SYNDROME; Androgen insensitivity; DHTR DEFICIENCY. Identifiers: Orphanet 754, Orphanet 99429, MedGen C0039585, MONDO:0019154, OMIM 300068. Disease mechanism: loss of function.

Submission:

3billion
Classification: Uncertain significance for Androgen resistance syndrome. Last evaluated: 2025-09-24. Review status: criteria provided, single submitter. Criteria: ACMG Guidelines, 2015. Collection method: clinical testing. Allele origin: germline. Affected: yes.
Comment: The variant is not observed in the gnomAD v4.1.0 dataset. Predicted Consequence/Location: Missense variant In silico tool predictions suggest damaging effect of the variant on gene or gene product [REVEL: 0.94 (>=0.6, sensitivity 0.68 and specificity 0.92)]. A different missense change at the same codon (p.Phe892Leu) has been reported to be associated with AR-related disorder (PMID: 24737579). Therefore, this variant is classified as VUS according to the recommendation of ACMG/AMP guideline.

Literature cited by the submitters: PubMed 24737579.